The following is an entry in ClinVar:

ClinVar aggregate classification (germline): Likely benign (0 of 4 stars; one submission).

Conditions:
BBS2-related disorder. Also called: BBS2-related disorders; BBS2-related condition. Identifiers: MedGen CN239228.

Submission:

PreventionGenetics, part of Exact Sciences
Classification: Likely benign for BBS2-related condition. Last evaluated: 2023-06-28. Review status: no assertion criteria provided. Collection method: clinical testing. Allele origin: germline.
Comment: This variant is classified as likely benign based on ACMG/AMP sequence variant interpretation guidelines (Richards et al. 2015 PMID: 25741868, with internal and published modifications).

NM_031885.5(BBS2):c.1698T>C (p.Asp566=)

Gene: BBS2 (Bardet-Biedl syndrome 2; minus strand). Cytogenetic location: 16q13.
Variant type: single nucleotide variant.
Coding change: c.1698T>C on transcript NM_031885.5 (MANE Select); coding-DNA position 1698, T replaced by C.
Protein change: p.Asp566=; no amino-acid change (aspartic acid 566 retained).
Molecular consequence: synonymous variant. On other transcripts: non-coding transcript variant (5).
Genome position (GRCh38, 1-based): chr16:56,497,842, A>G on the plus strand (T>C on the coding strand, the complement: BBS2 is on the minus strand). VCF-style: chr16-56497842-A-G. GRCh37 (hg19) VCF-style: chr16-56531754-A-G.
Other names: c.1698T>C, p.Asp566= (NM_001377456.1).
Identifiers: ClinVar variation 3356622 (VCV003356622.1).